The following is an entry in ClinVar:

ClinVar aggregate classification (germline): Uncertain significance. Review status: criteria provided, multiple submitters, no conflicts (2 of 4 stars). 2 submissions from 2 submitters: Uncertain significance (2). Last evaluated 2024-03-01.

Conditions:
Beta-D-mannosidosis (MANSB). Also called: MANNOSIDOSIS, BETA A, LYSOSOMAL; BETA-MANNOSIDASE DEFICIENCY; LYSOSOMAL BETA-MANNOSIDASE DEFICIENCY; Beta-Mannosidosis. Identifiers: Orphanet 118, MedGen C4048196, MONDO:0009562, OMIM 248510.
Inborn genetic diseases. Identifiers: MedGen C0950123, MeSH D030342.

Allele frequency attached by ClinVar (database versions not stated): ExAC 0.00001; gnomAD 0.00002 and 0.00001; TOPMed below 0.00001; gnomAD exomes 0.00001 and 0.00002.

Submissions (2):

Ambry Genetics
Classification: Uncertain significance for Inborn genetic diseases. Last evaluated: 2024-03-01. Review status: criteria provided, single submitter. Criteria: Ambry Variant Classification Scheme 2023. Collection method: clinical testing. Allele origin: germline.

Labcorp Genetics (formerly Invitae), Labcorp
Classification: Uncertain significance for Beta-D-mannosidosis. Last evaluated: 2022-08-07. Review status: criteria provided, single submitter. Criteria: Invitae Variant Classification Sherloc (09022015). Collection method: clinical testing. Allele origin: germline.
Comment: This sequence change replaces alanine, which is neutral and non-polar, with proline, which is neutral and non-polar, at codon 157 of the MANBA protein (p.Ala157Pro). This variant is present in population databases (rs768261895, gnomAD 0.03%). This variant has not been reported in the literature in individuals affected with MANBA-related conditions. ClinVar contains an entry for this variant (Variation ID: 1414471). Algorithms developed to predict the effect of missense changes on protein structure and function are either unavailable or do not agree on the potential impact of this missense change (SIFT: "Tolerated"; PolyPhen-2: "Possibly Damaging"; Align-GVGD: "Class C0"). In summary, the available evidence is currently insufficient to determine the role of this variant in disease. Therefore, it has been classified as a Variant of Uncertain Significance.

NM_005908.4(MANBA):c.469G>C (p.Ala157Pro)

Gene: MANBA (mannosidase beta; minus strand). Cytogenetic location: 4q24.
Variant type: single nucleotide variant.
Coding change: c.469G>C on transcript NM_005908.4 (MANE Select); coding-DNA position 469, G replaced by C.
Protein change: p.Ala157Pro; replaces alanine 157 with proline.
Molecular consequence: missense variant.
Genome position (GRCh38, 1-based): chr4:102,722,951, C>G on the plus strand (G>C on the coding strand, the complement: MANBA is on the minus strand). VCF-style: chr4-102722951-C-G. GRCh37 (hg19) VCF-style: chr4-103644108-C-G.
Other names: c.469G>C (NM_005908.3); short protein forms A157P.
Identifiers: ClinVar variation 1414471 (VCV001414471.6), dbSNP rs768261895, ClinGen allele CA3027216.